The following is an entry in ClinVar:

NM_000179.3(MSH6):c.3275A>C (p.Lys1092Thr)

Gene: MSH6 (mutS homolog 6; plus strand). Cytogenetic location: 2p16.3.
Variant type: single nucleotide variant.
Coding change: c.3275A>C on transcript NM_000179.3 (MANE Select); coding-DNA position 3275, A replaced by C.
Protein change: p.Lys1092Thr; replaces lysine 1092 with threonine.
Molecular consequence: missense variant. On other transcripts: non-coding transcript variant (5), intron variant (1).
Genome position (GRCh38, 1-based): chr2:47,803,522, A>C. VCF-style: chr2-47803522-A-C. GRCh37 (hg19) VCF-style: chr2-48030661-A-C.
Other names: c.2978A>C, p.Lys993Thr (NM_001406801.1, NM_001406805.1, NM_001406821.1 and 10 more transcripts); c.3371A>C, p.Lys1124Thr (NM_001406802.1, NM_001406795.1); c.2411A>C, p.Lys804Thr (NM_001406803.1); c.3197A>C, p.Lys1066Thr (NM_001406804.1); c.2750A>C, p.Lys917Thr (NM_001406806.1, NM_001406807.1, NM_001406799.1); c.3275A>C, p.Lys1092Thr (NM_001406808.1, NM_001406809.1, NM_001406796.1 and 1 more transcripts); c.2369A>C, p.Lys790Thr (NM_001406823.1, NM_001406829.1, NM_001406811.1 and 6 more transcripts); c.3107A>C, p.Lys1036Thr (NM_001406826.1); and 7 more; short protein forms K1092T, K19T, K407T, K917T, K962T, K570T, K790T, K804T.
Identifiers: ClinVar variation 4111202 (VCV004111202.1).

ClinVar aggregate classification (germline): Uncertain significance (1 of 4 stars; one submission).

Conditions:
Hereditary cancer-predisposing syndrome. Also called: Tumor predisposition; Neoplastic Syndromes, Hereditary; Hereditary neoplastic syndrome; Hereditary Cancer Syndrome. Identifiers: Orphanet 140162, MedGen C0027672, MeSH D009386, MONDO:0015356.

Submission:

Ambry Genetics
Classification: Uncertain significance for Hereditary cancer-predisposing syndrome. Last evaluated: 2025-07-09. Review status: criteria provided, single submitter. Criteria: Ambry Variant Classification Scheme 2023. Collection method: clinical testing. Allele origin: germline.
Comment: The p.K1092T variant (also known as c.3275A>C), located in coding exon 5 of the MSH6 gene, results from an A to C substitution at nucleotide position 3275. The lysine at codon 1092 is replaced by threonine, an amino acid with similar properties. This amino acid position is conserved. In addition, this alteration is predicted to be tolerated by in silico analysis. Based on the available evidence, the clinical significance of this variant remains unclear.